The following is an entry in ClinVar:

ClinVar aggregate classification (germline): Uncertain significance (1 of 4 stars; one submission).

Conditions:
Hereditary cancer-predisposing syndrome. Also called: Neoplastic Syndromes, Hereditary; Tumor predisposition; Hereditary neoplastic syndrome; Hereditary Cancer Syndrome. Identifiers: Orphanet 140162, MedGen C0027672, MeSH D009386, MONDO:0015356.

Submission:

Ambry Genetics
Classification: Uncertain significance for Hereditary cancer-predisposing syndrome. Last evaluated: 2023-10-04. Review status: criteria provided, single submitter. Criteria: Ambry Variant Classification Scheme 2023. Collection method: clinical testing. Allele origin: germline.
Comment: The p.K283E variant (also known as c.847A>G), located in coding exon 5 of the PDGFRA gene, results from an A to G substitution at nucleotide position 847. The lysine at codon 283 is replaced by glutamic acid, an amino acid with similar properties. This amino acid position is conserved. In addition, this alteration is predicted to be tolerated by in silico analysis. Since supporting evidence is limited at this time, the clinical significance of this alteration remains unclear.

NM_006206.6(PDGFRA):c.847A>G (p.Lys283Glu)

Gene: PDGFRA (platelet derived growth factor receptor alpha; plus strand). Cytogenetic location: 4q12.
Variant type: single nucleotide variant.
Coding change: c.847A>G on transcript NM_006206.6 (MANE Select); coding-DNA position 847, A replaced by G.
Protein change: p.Lys283Glu; replaces lysine 283 with glutamic acid.
Molecular consequence: missense variant.
Genome position (GRCh38, 1-based): chr4:54,267,376, A>G. VCF-style: chr4-54267376-A-G. GRCh37 (hg19) VCF-style: chr4-55133543-A-G.
Other names: c.847A>G, p.Lys283Glu (NM_001347827.2, NM_001347829.2); c.922A>G, p.Lys308Glu (NM_001347828.2); c.886A>G, p.Lys296Glu (NM_001347830.2); short protein forms K283E, K296E, K308E.
Identifiers: ClinVar variation 3225319 (VCV003225319.1), dbSNP rs2475453638, ClinGen allele CA356891231.